The following is an entry in ClinVar:

ClinVar aggregate classification (germline): Pathogenic. Review status: criteria provided, multiple submitters, no conflicts (2 of 4 stars). 9 submissions from 9 submitters: Pathogenic (9). Last evaluated 2025-10-25.

Conditions:
RASopathy. Also called: rasopathies; Noonan spectrum disorder. Identifiers: Orphanet 536391, MedGen C5555857, MONDO:0021060.
Noonan syndrome (NS). Also called: Noonan's syndrome. Identifiers: Orphanet 648, MedGen C0028326, MeSH D009634, MONDO:0018997. Disease mechanism: gain of function.
Noonan syndrome 4 (NS4). Also called: NOONAN SYNDROME WITH PIGMENTED VILLONODULAR SYNOVITIS; SOS1-Related Noonan Syndrome. Identifiers: Orphanet 648, MedGen C1853120, MONDO:0012547, OMIM 610733.

Allele frequency attached by ClinVar (database versions not stated): gnomAD exomes below 0.00001; 1000 Genomes Project 30x 0.00016.
gnomAD v4.1: 2 of 1,613,516 alleles (0.00012%); highest among the groups gnomAD compares: Admixed American, 0.0017%; no homozygotes.

Submissions (9):

Dasa
Classification: Pathogenic. Last evaluated: 2025-10-25. Review status: criteria provided, single submitter. Criteria: DASA Assertion Criteria. Collection method: clinical testing. Allele origin: germline.
Comment: NM_005633.4(SOS1):c.1322G>A (p.Cys441Tyr) is a missense variant that results in the substitution of cysteine with tyrosine. The affected residue or protein region has prior evidence supporting clinical relevance. De novo occurrence has been reported in an individual with related phenotype. Functional evidence supports a deleterious effect on the gene or gene product (PMID: 17586837; PMID: 17143282; PMID: 19077116; PMID: 21387466; PMID: 35605646). This variant has been recurrently observed in individuals with related phenotype (PMID: 17586837; PMID: 17143282; PMID: 19077116; PMID: 21387466; PMID: 35605646). Multiple computational predictions support a deleterious effect on the gene or gene product. The variant is present at low frequency in population datasets. Based on the available data, this variant is classified as pathogenic.

Labcorp Genetics (formerly Invitae), Labcorp
Classification: Pathogenic for RASopathy. Last evaluated: 2025-06-17. Review status: criteria provided, single submitter. Criteria: Invitae Variant Classification Sherloc (09022015). Collection method: clinical testing. Allele origin: germline.
Comment: This sequence change replaces cysteine, which is neutral and slightly polar, with tyrosine, which is neutral and polar, at codon 441 of the SOS1 protein (p.Cys441Tyr). This variant is not present in population databases (gnomAD no frequency). This missense change has been observed in individual(s) with Noonan syndrome (PMID: 17143282, 17586837, 19020799, 19077116, 20186801, 21387466). In at least one individual the variant was observed to be de novo. ClinVar contains an entry for this variant (Variation ID: 40673). Invitae Evidence Modeling of protein sequence and biophysical properties (such as structural, functional, and spatial information, amino acid conservation, physicochemical variation, residue mobility, and thermodynamic stability) indicates that this missense variant is expected to disrupt SOS1 protein function with a positive predictive value of 95%. Experimental studies are conflicting or provide insufficient evidence to determine the effect of this variant on SOS1 function (PMID: 20133692, 23487764). For these reasons, this variant has been classified as Pathogenic.

3billion
Classification: Pathogenic for Noonan syndrome 4. Last evaluated: 2024-10-10. Review status: criteria provided, single submitter. Criteria: ACMG Guidelines, 2015. Collection method: clinical testing. Allele origin: germline. Affected: yes.
Comment: The variant is observed at an extremely low frequency in the gnomAD v4.1.0 dataset (total allele frequency: <0.001%). Predicted Consequence/Location: The variant is located in a mutational hot spot and/or well-established functional domain in which established pathogenic variants have been reported (PMID: 29493581). Missense variant. Missense changes are a common disease-causing mechanism. In silico tool predictions suggest damaging effect of the variant on gene or gene product [REVEL: 0.90 (>=0.6, sensitivity 0.68 and specificity 0.92); 3Cnet: 0.99 (>=0.6, sensitivity 0.72 and precision 0.9)]. The same nucleotide change resulting in the same amino acid change has been previously reported as pathogenic/likely pathogenic with strong evidence (ClinVar ID: VCV000040673 /PMID: 17143282). The variant has been previously reported as de novo in a similarly affected individual (PMID: 17143282). Therefore, this variant is classified as Pathogenic according to the recommendation of ACMG/AMP guideline.

Women's Health and Genetics/Laboratory Corporation of America, LabCorp
Classification: Pathogenic for RASopathy. Last evaluated: 2024-01-09. Review status: criteria provided, single submitter. Criteria: LabCorp Variant Classification Summary - May 2015. Collection method: clinical testing. Allele origin: germline.
Comment: Variant summary: SOS1 c.1322G>A (p.Cys441Tyr) results in a non-conservative amino acid change in the encoded protein sequence. Five of five in-silico tools predict a damaging effect of the variant on protein function. The variant was absent in 251002 control chromosomes. c.1322G>A has been reported in the literature in multiple individuals affected with Noonan Syndrome including a de novo occurrence (e.g. Pierpont_2008, Ko_2008, Tartaglia_2007, Alfieri_2008, Lepri_2011, Lee_2011.). These data indicate that the variant is very likely to be associated with disease. At least one publication reports experimental evidence evaluating an impact on protein function (Gureasko_2009). The following publications have been ascertained in the context of this evaluation (PMID: 19077116, 19020799, 17143282, 19568997, 20133692, 21387466, 21784453). ClinVar contains an entry for this variant (Variation ID: 40673). Based on the evidence outlined above, the variant was classified as pathogenic.

CeGaT Center for Human Genetics Tuebingen
Classification: Pathogenic. Last evaluated: 2023-06-01. Review status: criteria provided, single submitter. Criteria: CeGaT Center For Human Genetics Tuebingen Variant Classification Criteria Version 2. Collection method: clinical testing. Allele origin: germline. Affected: yes. Observed: 1 variant allele.
Comment: SOS1: PM6:Strong, PM2, PS4:Moderate, PP3, PP4, PS3:Supporting

GeneDx
Classification: Pathogenic. Last evaluated: 2023-01-17. Review status: criteria provided, single submitter. Criteria: GeneDx Variant Classification Process June 2021. Collection method: clinical testing. Allele origin: germline. Affected: yes.
Comment: Observed in many individuals in published literature with an SOS1-related disorder (Zenker et al., 2007; Pierpont et al., 2010; Lepri et al., 2011; Chinton et al., 2019; Shoji et al., 2019); Not observed at significant frequency in large population cohorts (gnomAD); Missense variants in this gene are often considered pathogenic (HGMD); In silico analysis supports that this missense variant has a deleterious effect on protein structure/function; Published functional studies demonstrate normal to increased SOS1 activity (Gureasko et al., 2010, Smith et al., 2013); This variant is associated with the following publications: (PMID: 17143282, 24803665, 30417923, 31292302, 31560489, 19077116, 23487764, 17586837, 20186801, 12628188, 21387466, 29493581, 20648242, 34643321, 20133692)

ARUP Laboratories, Molecular Genetics and Genomics, ARUP Laboratories
Classification: Pathogenic. Last evaluated: 2019-11-19. Review status: criteria provided, single submitter. Criteria: ARUP Molecular Germline Variant Investigation Process. Collection method: clinical testing. Allele origin: germline.
Comment: The SOS1 c.1322G>A; p.Cys441Tyr variant (rs727504295) is reported in the literature in multiple individuals affected with Noonan syndrome (Bessis 2019, Ko 2008, Lepri 2011, Pierpont 2010, Tartaglia 2007, Zenker 2007). In at least one affected individual, the variant was not observed in either parent, suggesting a de novo origin (Tartaglia 2007). This variant is absent from general population databases (Exome Variant Server, Genome Aggregation Database), indicating it is not a common polymorphism. The cysteine at amino acid 441 is highly conserved, and while functional studies indicate wildtype activation of pERK (Smith 2013), the variant also exhibits increased PIP2-dependent nucleotide exchange rates (Gureasko 2010). Additionally, other amino acid substitutions at nearby codons (p.Glu433Lys, p.Gly434Arg, p.Ile437Thr) have been reported in individuals with Noonan syndrome and are considered disease-causing (Lepri 2011, Tartaglia 2007, Zenker 2007), suggesting this region is functionally important. Based on available information, the p.Cys441Tyr variant is considered to be pathogenic. References: Bessis et al. Dermatological manifestations in Noonan syndrome: a prospective multicentric study of 129 patients positive for mutation. Br J Dermatol. 2019 Jun;180(6):1438-1448. Gureasko J et al. Role of the histone domain in the autoinhibition and activation of the Ras activator Son of Sevenless. Proc Natl Acad Sci U S A. 2010 Feb 23;107(8):3430-5. Ko JM et al. PTPN11, SOS1, KRAS, and RAF1 gene analysis, and genotype-phenotype correlation in Korean patients with Noonan syndrome. J Hum Genet. 2008;53(11-12):999-1006. Lepri F et al. SOS1 mutations in Noonan syndrome: molecular spectrum, structural insights on pathogenic effects, and genotype-phenotype correlations. Hum Mutat. 2011 Jul;32(7):760-72. Pierpont EI et al. Effects of germline mutations in the Ras/MAPK signaling pathway on adaptive behavior: cardiofaciocutaneous syndrome and Noonan syndrome. Am J Med Genet A. 2010 Mar;152A(3):591-600. Smith et al. NMR-based functional profiling of RASopathies and oncogenic RAS mutations. Proc Natl Acad Sci U S A. 2013 Mar 19;110(12):4574-9. Tartaglia et al. Gain-of-function SOS1 mutations cause a distinctive form of Noonan syndrome. Nat Genet. 2007 Jan;39(1):75-9. Zenker M et al. SOS1 is the second most common Noonan gene but plays no major role in cardio-facio-cutaneous syndrome. J Med Genet. 2007 Oct;44(10):651-6.

Laboratory for Molecular Medicine, Mass General Brigham Personalized Medicine
Classification: Pathogenic for Noonan syndrome. Last evaluated: 2017-03-20. Review status: criteria provided, single submitter. Criteria: LMM Criteria. Collection method: clinical testing. Allele origin: germline. Inheritance: Autosomal dominant inheritance. Observed: 3 variant alleles.
Comment: The p.Cys441Tyr variant in SOS1 has been previously identified in six individual s with clinical features of Noonan syndrome, including two confirmed de novo occ urrence (Tartaglia 2007, Zenker 2007, Lepri 2011, Korean Mutation Database, LMM data). This variant has not been identified in large population studies. In summ ary, this variant meets criteria to be classified as pathogenic for autosomal do minant Noonan spectrum disorder based on presence in multiple affected individua ls including de novo occurrences.

Genome-Nilou Lab
Classification: Pathogenic for Noonan syndrome 4. Review status: criteria provided, single submitter. Criteria: ACMG Guidelines, 2015. Collection method: clinical testing. Allele origin: germline.

Literature cited by the submitters: PubMed 17586837 (cited by 3 submitters); PubMed 17143282 (cited by 5 submitters); PubMed 19077116 (cited by 3 submitters); PubMed 21387466 (cited by 4 submitters); PubMed 35605646 (cited by Dasa); PubMed 19020799 (cited by 3 submitters); PubMed 31292302 (cited by Dasa); PubMed 20186801 (cited by Labcorp Genetics (formerly Invitae), Labcorp); PubMed 20133692 (cited by 3 submitters); PubMed 23487764 (cited by Labcorp Genetics (formerly Invitae), Labcorp); PubMed 19568997 (cited by Women's Health and Genetics/Laboratory Corporation of America, LabCorp); PubMed 21784453 (cited by Women's Health and Genetics/Laboratory Corporation of America, LabCorp).

NM_005633.4(SOS1):c.1322G>A (p.Cys441Tyr)

Gene: SOS1 (SOS Ras/Rac guanine nucleotide exchange factor 1; minus strand). Cytogenetic location: 2p22.1.
Variant type: single nucleotide variant.
Coding change: c.1322G>A on transcript NM_005633.4 (MANE Select); coding-DNA position 1322, G replaced by A.
Protein change: p.Cys441Tyr; replaces cysteine 441 with tyrosine.
Molecular consequence: missense variant.
Genome position (GRCh38, 1-based): chr2:39,023,106, C>T on the plus strand (G>A on the coding strand, the complement: SOS1 is on the minus strand). VCF-style: chr2-39023106-C-T. GRCh37 (hg19) VCF-style: chr2-39250247-C-T.
Other names: p.C441Y:TGT>TAT; c.1301G>A, p.Cys434Tyr (NM_001382394.1); c.1322G>A, p.Cys441Tyr (NM_001382395.1); short protein forms C441Y, C434Y.
Identifiers: ClinVar variation 40673 (VCV000040673.50), dbSNP rs727504295, ClinGen allele CA273441.